The following is an entry in ClinVar:

NM_003985.6(TNK1):c.1777G>A (p.Val593Met)

Gene: TNK1 (tyrosine kinase non receptor 1; plus strand). Cytogenetic location: 17p13.1.
Variant type: single nucleotide variant.
Coding change: c.1777G>A on transcript NM_003985.6 (MANE Select); coding-DNA position 1777, G replaced by A.
Protein change: p.Val593Met; replaces valine 593 with methionine.
Molecular consequence: missense variant.
Genome position (GRCh38, 1-based): chr17:7,388,788, G>A. VCF-style: chr17-7388788-G-A. GRCh37 (hg19) VCF-style: chr17-7292107-G-A.
Other names: c.1792G>A, p.Val598Met (NM_001251902.3); short protein forms V593M, V598M.
Identifiers: ClinVar variation 3060054 (VCV003060054.2), dbSNP rs6503018, ClinGen allele CA8345307.

ClinVar aggregate classification (germline): Benign (0 of 4 stars; one submission).

Conditions:
TNK1-related disorder. Also called: TNK1-related condition.

Allele frequency attached by ClinVar (database versions not stated): 1000 Genomes Project 30x 0.72033; 1000 Genomes Project 0.72564; TOPMed 0.78309; gnomAD 0.79814; ESP Exome Variant Server 0.82176; ExAC 0.86608; gnomAD exomes 0.91814.
gnomAD v4.1: 1,454,623 of 1,605,486 alleles (91%); highest among the groups gnomAD compares: Non-Finnish European, 95%; 667,982 homozygotes.

Submission:

PreventionGenetics, part of Exact Sciences
Classification: Benign for TNK1-related condition. Last evaluated: 2019-10-17. Review status: no assertion criteria provided. Collection method: clinical testing. Allele origin: germline.
Comment: This variant is classified as benign based on ACMG/AMP sequence variant interpretation guidelines (Richards et al. 2015 PMID: 25741868, with internal and published modifications).